The following is an entry in ClinVar:

NM_002894.3(RBBP8):c.2498C>A (p.Ala833Asp)

Gene: RBBP8 (RB binding protein 8, endonuclease; plus strand). Cytogenetic location: 18q11.2.
Variant type: single nucleotide variant.
Coding change: c.2498C>A on transcript NM_002894.3 (MANE Select); coding-DNA position 2498, C replaced by A.
Protein change: p.Ala833Asp; replaces alanine 833 with aspartic acid.
Molecular consequence: missense variant.
Genome position (GRCh38, 1-based): chr18:23,022,172, C>A. VCF-style: chr18-23022172-C-A. GRCh37 (hg19) VCF-style: chr18-20602135-C-A.
Other names: c.2498C>A, p.Ala833Asp (NM_203291.2); c.2401C>A, p.Leu801Ile (NM_203292.2); c.2498C>A (NM_002894.2); short protein forms A833D, L801I.
Identifiers: ClinVar variation 1377557 (VCV001377557.5), dbSNP rs2046355858, ClinGen allele CA401803485.

ClinVar aggregate classification (germline): Uncertain significance. Review status: criteria provided, multiple submitters, no conflicts (2 of 4 stars). 2 submissions from 2 submitters: Uncertain significance (2). Last evaluated 2023-12-06.

Conditions:
Inborn genetic diseases. Identifiers: MedGen C0950123, MeSH D030342.

Allele frequency attached by ClinVar (database versions not stated): TOPMed 0.00002; gnomAD 0.00001.
gnomAD v4.1: 1 of 1,610,482 alleles (0.000062%); highest among the groups gnomAD compares: Admixed American, 0.0017%; no homozygotes.

Submissions (2):

Labcorp Genetics (formerly Invitae), Labcorp
Classification: Uncertain significance. Last evaluated: 2023-12-06. Review status: criteria provided, single submitter. Criteria: Invitae Variant Classification Sherloc (09022015). Collection method: clinical testing. Allele origin: germline.
Comment: This sequence change replaces alanine, which is neutral and non-polar, with aspartic acid, which is acidic and polar, at codon 833 of the RBBP8 protein (p.Ala833Asp). This variant is not present in population databases (gnomAD no frequency). This variant has not been reported in the literature in individuals affected with RBBP8-related conditions. ClinVar contains an entry for this variant (Variation ID: 1377557). An algorithm developed to predict the effect of missense changes on protein structure and function (PolyPhen-2) suggests that this variant is likely to be disruptive. In summary, the available evidence is currently insufficient to determine the role of this variant in disease. Therefore, it has been classified as a Variant of Uncertain Significance.

Ambry Genetics
Classification: Uncertain significance for Inborn genetic diseases. Last evaluated: 2023-09-20. Review status: criteria provided, single submitter. Criteria: Ambry Variant Classification Scheme 2023. Collection method: clinical testing. Allele origin: germline.